The following is an entry in ClinVar:

ClinVar aggregate classification (germline): Benign (1 of 4 stars; one submission).

Allele frequency attached by ClinVar (database versions not stated): TOPMed 0.15013; gnomAD 0.15493 and 0.15707; 1000 Genomes Project 30x 0.19519; 1000 Genomes Project 0.19968.
gnomAD v4.1: 23,767 of 151,522 alleles (16%); highest among the groups gnomAD compares: East Asian, 27%; 1,990 homozygotes.

Submission:

GeneDx
Classification: Benign. Last evaluated: 2018-06-19. Review status: criteria provided, single submitter. Criteria: GeneDx Variant Classification (06012015). Collection method: clinical testing. Allele origin: germline. Affected: yes.
Comment: This variant is considered likely benign or benign based on one or more of the following criteria: it is a conservative change, it occurs at a poorly conserved position in the protein, it is predicted to be benign by multiple in silico algorithms, and/or has population frequency not consistent with disease.

NM_001165963.4(SCN1A):c.3551-246C>G

Genes: SCN1A (sodium voltage-gated channel alpha subunit 1; minus strand), LOC102724058 (uncharacterized LOC102724058; plus strand). Cytogenetic location: 2q24.3.
Variant type: single nucleotide variant.
Coding change: c.3551-246C>G on transcript NM_001165963.4 (MANE Select); 246 bases into the intron before coding-DNA position 3551, C replaced by G.
Molecular consequence: intron variant.
Genome position (GRCh38, 1-based): chr2:166,014,144, G>C on the plus strand (C>G on the coding strand, the complement: SCN1A is on the minus strand). VCF-style: chr2-166014144-G-C. GRCh37 (hg19) VCF-style: chr2-166870654-G-C.
Other names: c.3518-246C>G (NM_001353949.2, NM_001353950.2, NM_001353951.2 and 2 more transcripts); c.3467-246C>G (NM_001353958.2, NM_001353957.2, NM_001165964.3); c.3551-246C>G (NM_001202435.3, NM_001353948.2); c.3515-246C>G (NM_001353955.2, NM_001353954.2); c.3464-246C>G (NM_001353960.2); c.1109-246C>G (NM_001353961.2).
Identifiers: ClinVar variation 669305 (VCV000669305.1), dbSNP rs10207252, ClinGen allele CA11088991.